The following is an entry in ClinVar:

NM_002880.4(RAF1):c.1511A>C (p.Gln504Pro)

Gene: RAF1 (Raf-1 proto-oncogene, serine/threonine kinase; minus strand). Cytogenetic location: 3p25.2.
Variant type: single nucleotide variant.
Coding change: c.1511A>C on transcript NM_002880.4 (MANE Select); coding-DNA position 1511, A replaced by C.
Protein change: p.Gln504Pro; replaces glutamine 504 with proline.
Molecular consequence: missense variant. On other transcripts: non-coding transcript variant (3).
Genome position (GRCh38, 1-based): chr3:12,585,706, T>G on the plus strand (A>C on the coding strand, the complement: RAF1 is on the minus strand). VCF-style: chr3-12585706-T-G. GRCh37 (hg19) VCF-style: chr3-12627205-T-G.
Other names: c.1571A>C, p.Gln524Pro (NM_001354689.3); c.1511A>C, p.Gln504Pro (NM_001354690.3); c.1268A>C, p.Gln423Pro (NM_001354691.3, NM_001354692.3); c.1412A>C, p.Gln471Pro (NM_001354693.3); c.1328A>C, p.Gln443Pro (NM_001354694.3); c.1169A>C, p.Gln390Pro (NM_001354695.3); short protein forms Q390P, Q423P, Q443P, Q471P, Q504P, Q524P.
Identifiers: ClinVar variation 4293995 (VCV004293995.1).

ClinVar aggregate classification (germline): Uncertain significance (1 of 4 stars; one submission).

Conditions:
Noonan syndrome 5 (NS5). Also called: RAF1-Related Noonan Syndrome. Identifiers: Orphanet 648, MedGen C1969057, MONDO:0012690, OMIM 611553. Disease mechanism: gain of function.

Submission:

3billion
Classification: Uncertain significance for Noonan syndrome 5. Last evaluated: 2025-02-07. Review status: criteria provided, single submitter. Criteria: ACMG Guidelines, 2015. Collection method: clinical testing. Allele origin: germline. Affected: yes.
Comment: The variant is observed at an extremely low frequency in the gnomAD v4.1.0 dataset (total allele frequency: 0.005%). However, frequency data for this variant in the general population is uninformative in assessment of variant pathogenicity as observed frequencies are confounding due to low quality variants identified in the variant location. Predicted Consequence/Location: The variant is located in a mutational hot spot and/or well-established functional domain in which established pathogenic variants have been reported (PMID: 29493581). Missense variant. Missense changes are a common disease-causing mechanism. In silico tool predictions suggest damaging effect of the variant on gene or gene product [REVEL: 0.82 (>=0.6, sensitivity 0.68 and specificity 0.92); 3Cnet: 0.63 (>=0.6, sensitivity 0.72 and precision 0.9)]. Therefore, this variant is classified as VUS according to the recommendation of ACMG/AMP guideline.